The following is an entry in ClinVar:

NM_030962.4(SBF2):c.5037C>T (p.Arg1679=)

Genes: SBF2 (SET binding factor 2; minus strand), SBF2-AS1 (SBF2 antisense RNA 1; plus strand), LOC105369149 (uncharacterized LOC105369149; plus strand). Cytogenetic location: 11p15.4.
Variant type: single nucleotide variant.
Coding change: c.5037C>T on transcript NM_030962.4 (MANE Select); coding-DNA position 5037, C replaced by T.
Protein change: p.Arg1679=; no amino-acid change (arginine 1679 retained).
Molecular consequence: synonymous variant.
Genome position (GRCh38, 1-based): chr11:9,787,634, G>A on the plus strand (C>T on the coding strand, the complement: SBF2 is on the minus strand). VCF-style: chr11-9787634-G-A. GRCh37 (hg19) VCF-style: chr11-9809181-G-A.
Other names: c.5133C>T, p.Arg1711= (NM_001386339.1); c.4908C>T, p.Arg1636= (NM_001386342.1).
Identifiers: ClinVar variation 383688 (VCV000383688.58), dbSNP rs200784979, ClinGen allele CA5880829.

ClinVar aggregate classification (germline): Conflicting classifications of pathogenicity. Review status: criteria provided, conflicting classifications (1 of 4 stars). 10 submissions from 10 submitters: Uncertain significance (1); Benign (1); Likely benign (7). 1 of the submissions does not count toward it. Last evaluated 2026-09-01.

Conditions:
Charcot-Marie-Tooth disease type 4B2. Also called: CHARCOT-MARIE-TOOTH DISEASE, DEMYELINATING, TYPE 4B2; Charcot-Marie-Tooth Neuropathy Type 4B2; CHARCOT-MARIE-TOOTH DISEASE, WITH FOCALLY FOLDED MYELIN SHEATHS, AUTOSOMAL RECESSIVE, TYPE 4B2; CMT 4B2. Identifiers: Orphanet 99956, MedGen C1858278, MONDO:0011475, OMIM 604563.
Inborn genetic diseases. Identifiers: MedGen C0950123, MeSH D030342.
Charcot-Marie-Tooth disease type 4. Also called: Charcot-Marie-Tooth, Type 4; Charcot-Marie-Tooth disease, type IV. Identifiers: Orphanet 64749, MedGen C4082197, MONDO:0018995.
SBF2-related disorder. Also called: SBF2-related condition.
Charcot-Marie-Tooth disease. Also called: Charcot-Marie-Tooth Hereditary Neuropathy; Charcot-Marie-Tooth Neuropathy. Identifiers: Orphanet 166, MedGen C0007959, MONDO:0015626.

Allele frequency attached by ClinVar (database versions not stated): TOPMed 0.00023; ExAC 0.00042; ESP Exome Variant Server 0.00015; gnomAD exomes 0.00043 and 0.00052; gnomAD 0.00044 and 0.00048.
gnomAD v4.1: 805 of 1,613,646 alleles (0.05%); highest among the groups gnomAD compares: East Asian, 0.28%; no homozygotes.

Submissions (10):

CeGaT Center for Human Genetics Tuebingen
Classification: Likely benign. Last evaluated: 2026-09-01. Review status: criteria provided, single submitter. Criteria: CeGaT Center For Human Genetics Tuebingen Variant Classification Criteria Version 2. Collection method: clinical testing. Allele origin: germline. Affected: yes. Observed: 2 variant alleles.
Comment: SBF2: BP4, BP7

Labcorp Genetics (formerly Invitae), Labcorp
Classification: Likely benign for Charcot-Marie-Tooth disease type 4. Last evaluated: 2025-12-20. Review status: criteria provided, single submitter. Criteria: Invitae Variant Classification Sherloc (09022015). Collection method: clinical testing. Allele origin: germline.

Blueprint Genetics
Classification: Likely benign. Last evaluated: 2024-09-04. Review status: criteria provided, single submitter. Criteria: ACMG Guidelines, 2015. Collection method: clinical testing. Allele origin: germline.

Athena Diagnostics
Classification: Benign. Last evaluated: 2020-09-01. Review status: criteria provided, single submitter. Criteria: Athena Diagnostics criteria. Collection method: clinical testing. Allele origin: unknown.

Ambry Genetics
Classification: Likely benign for Inborn genetic diseases. Last evaluated: 2019-12-23. Review status: criteria provided, single submitter. Criteria: Ambry Variant Classification Scheme 2023. Collection method: clinical testing. Allele origin: germline.

Genetic Services Laboratory, University of Chicago
Classification: Likely benign. Last evaluated: 2019-07-11. Review status: criteria provided, single submitter. Criteria: ACMG Guidelines, 2015. Collection method: clinical testing. Allele origin: germline. Affected: no.

Illumina Laboratory Services, Illumina
Classification: Uncertain significance for Charcot-Marie-Tooth disease type 4B2. Last evaluated: 2018-01-13. Review status: criteria provided, single submitter. Criteria: ICSL Variant Classification Criteria 13 December 2019. Collection method: clinical testing. Allele origin: germline.

GeneDx
Classification: Likely benign. Last evaluated: 2016-02-16. Review status: criteria provided, single submitter. Criteria: GeneDx Variant Classification (06012015). Collection method: clinical testing. Allele origin: germline. Affected: yes.
Comment: This variant is considered likely benign or benign based on one or more of the following criteria: it is a conservative change, it occurs at a poorly conserved position in the protein, it is predicted to be benign by multiple in silico algorithms, and/or has population frequency not consistent with disease.

Molecular Genetics Laboratory, London Health Sciences Centre
Classification: Likely benign for Charcot-Marie-Tooth disease. Review status: criteria provided, single submitter. Criteria: ACMG Guidelines, 2015. Collection method: clinical testing. Allele origin: germline. Affected: yes.

PreventionGenetics, part of Exact Sciences
Classification: Likely benign for SBF2-related condition. Last evaluated: 2023-02-28. Review status: no assertion criteria provided. Collection method: clinical testing. Allele origin: germline. Not counted in ClinVar's aggregate classification.
Comment: This variant is classified as likely benign based on ACMG/AMP sequence variant interpretation guidelines (Richards et al. 2015 PMID: 25741868, with internal and published modifications).